The following is an entry in ClinVar:

ClinVar aggregate classification (germline): Uncertain significance. Review status: criteria provided, multiple submitters, no conflicts (2 of 4 stars). 3 submissions from 3 submitters: Uncertain significance (3). Last evaluated 2026-02-04.

Conditions:
MYH7B-related disorder. Also called: MYH7B-related condition.

Allele frequency attached by ClinVar (database versions not stated): ExAC 0.00002; gnomAD 0.00005; TOPMed 0.00005.
gnomAD v4.1: 151 of 1,611,900 alleles (0.0094%); highest among the groups gnomAD compares: Non-Finnish European, 0.012%; no homozygotes.

Submissions (3):

PreventionGenetics, part of Exact Sciences
Classification: Uncertain significance for MYH7B-related condition. Last evaluated: 2026-02-04. Review status: criteria provided, single submitter. Criteria: ACMG Guidelines, 2015. Collection method: clinical testing. Allele origin: germline.
Comment: The MYH7B c.716T>C variant is predicted to result in the amino acid substitution p.Val239Ala. To our knowledge, this variant has not been reported in the literature. This variant is reported in 0.0071% of alleles in individuals of European (Non-Finnish) descent in gnomAD. At this time, the clinical significance of this variant is uncertain due to the absence of conclusive functional and genetic evidence.

Labcorp Genetics (formerly Invitae), Labcorp
Classification: Uncertain significance. Last evaluated: 2025-10-29. Review status: criteria provided, single submitter. Criteria: Invitae Variant Classification Sherloc (09022015). Collection method: clinical testing. Allele origin: germline.
Comment: This sequence change replaces valine, which is neutral and non-polar, with alanine, which is neutral and non-polar, at codon 239 of the MYH7B protein (p.Val239Ala). This variant is present in population databases (rs767776965, gnomAD 0.006%). This variant has not been reported in the literature in individuals affected with MYH7B-related conditions. ClinVar contains an entry for this variant (Variation ID: 2896763). Invitae Evidence Modeling of protein sequence and biophysical properties (such as structural, functional, and spatial information, amino acid conservation, physicochemical variation, residue mobility, and thermodynamic stability) has been performed for this missense variant. However, the output from this modeling did not meet the statistical confidence thresholds required to predict the impact of this variant on MYH7B protein function. In summary, the available evidence is currently insufficient to determine the role of this variant in disease. Therefore, it has been classified as a Variant of Uncertain Significance.

Ambry Genetics
Classification: Uncertain significance. Last evaluated: 2024-12-16. Review status: criteria provided, single submitter. Criteria: Ambry Variant Classification Scheme 2023. Collection method: clinical testing. Allele origin: germline.

NM_020884.7(MYH7B):c.590T>C (p.Val197Ala)

Gene: MYH7B (myosin heavy chain 7B; plus strand). Cytogenetic location: 20q11.22.
Variant type: single nucleotide variant.
Coding change: c.590T>C on transcript NM_020884.7 (MANE Select); coding-DNA position 590, T replaced by C.
Protein change: p.Val197Ala; replaces valine 197 with alanine.
Molecular consequence: missense variant.
Genome position (GRCh38, 1-based): chr20:34,982,521, T>C. VCF-style: chr20-34982521-T-C. GRCh37 (hg19) VCF-style: chr20-33570324-T-C.
Other names: c.716T>C (NM_020884.3, NM_020884.4); short protein forms V197A.
Identifiers: ClinVar variation 2896763 (VCV002896763.5), dbSNP rs767776965, ClinGen allele CA9826517.